The following is an entry in ClinVar:

ClinVar aggregate classification (germline): Likely pathogenic (1 of 4 stars; one submission).

Conditions:
Hereditary cancer-predisposing syndrome. Also called: Tumor predisposition; Neoplastic Syndromes, Hereditary; Hereditary Cancer Syndrome; Hereditary neoplastic syndrome. Identifiers: Orphanet 140162, MedGen C0027672, MeSH D009386, MONDO:0015356.

Submission:

Ambry Genetics
Classification: Likely pathogenic for Hereditary cancer-predisposing syndrome. Last evaluated: 2025-03-05. Review status: criteria provided, single submitter. Criteria: Ambry Variant Classification Scheme 2023. Collection method: clinical testing. Allele origin: germline.
Comment: The c.2865delA variant, located in coding exon 15 of the APC gene, results from a deletion of one nucleotide at nucleotide position 2865, causing a translational frameshift with a predicted alternate stop codon (p.E955Dfs*10). This alteration occurs at the 3' terminus of theAPC gene, is not expected to trigger nonsense-mediated mRNA decay, and impacts the last 66% of the protein. However, premature stop codons are typically deleterious in nature and a significant portion of the protein is affected (Ambry internal data). This variant is considered to be rare based on population cohorts in the Genome Aggregation Database (gnomAD). Based on the majority of available evidence to date, this variant is likely to be pathogenic.

NM_000038.6(APC):c.2865del (p.Glu955fs)

Gene: APC (APC regulator of Wnt signaling pathway; plus strand). Cytogenetic location: 5q22.2.
Variant type: Deletion.
Coding change: c.2865del on transcript NM_000038.6 (MANE Select); coding-DNA position 2865, one base deleted (A; older notation c.2865delA).
Protein change: p.Glu955fs; shifts the reading frame from glutamic acid 955.
Molecular consequence: frameshift variant. On other transcripts: non-coding transcript variant (2).
Genome position (GRCh38, 1-based): chr5:112,838,459, A deleted; the last of 2 consecutive A bases (chr5:112,838,458-112,838,459); deleting either gives the same sequence. VCF-style (leftmost placement, unchanged base first): chr5-112838457-GA-G. GRCh37 (hg19) VCF-style: chr5-112174154-GA-G.
Other names: c.2865del, p.Glu955fs (NM_001127510.3, NM_001354895.2, NM_001407450.1); c.2811del, p.Glu937fs (NM_001127511.3); c.2919del, p.Glu973fs (NM_001354896.2, NM_001407447.1, NM_001407448.1 and 1 more transcripts); c.2895del, p.Glu965fs (NM_001354897.2); c.2790del, p.Glu930fs (NM_001354898.2); c.2781del, p.Glu927fs (NM_001354899.2); c.2742del, p.Glu914fs (NM_001354900.2); c.2688del, p.Glu896fs (NM_001354901.2, NM_001407453.1); and 11 more; short protein forms E829fs, E937fs, E795fs, E864fs, E872fs, E927fs, E930fs, E945fs.
Identifiers: ClinVar variation 3882450 (VCV003882450.1).